The following is an entry in ClinVar:

ClinVar aggregate classification (germline): Uncertain significance. Review status: criteria provided, multiple submitters, no conflicts (2 of 4 stars). 2 submissions from 2 submitters: Uncertain significance (2). Last evaluated 2024-11-19.

Conditions:
Chromosome 2q32-q33 deletion syndrome (GLASS). Also called: Glass syndrome; 2q33.1 deletion syndrome. Identifiers: Orphanet 251019, MedGen C2676739, MONDO:0012864, OMIM 612313.

Allele frequency attached by ClinVar (database versions not stated): gnomAD 0.00001.
gnomAD v4.1: 1 of 1,614,042 alleles (0.000062%); highest among the groups gnomAD compares: Non-Finnish European, 0.000085%; no homozygotes.

Submissions (2):

GeneDx
Classification: Uncertain significance. Last evaluated: 2024-11-19. Review status: criteria provided, single submitter. Criteria: GeneDx Variant Classification Process June 2021. Collection method: clinical testing. Allele origin: germline. Affected: yes.
Comment: In silico analysis supports that this missense variant has a deleterious effect on protein structure/function; Has not been previously published as pathogenic or benign to our knowledge

Labcorp Genetics (formerly Invitae), Labcorp
Classification: Uncertain significance for Chromosome 2q32-q33 deletion syndrome. Last evaluated: 2023-06-18. Review status: criteria provided, single submitter. Criteria: Invitae Variant Classification Sherloc (09022015). Collection method: clinical testing. Allele origin: germline.
Comment: In summary, the available evidence is currently insufficient to determine the role of this variant in disease. Therefore, it has been classified as a Variant of Uncertain Significance. Advanced modeling of protein sequence and biophysical properties (such as structural, functional, and spatial information, amino acid conservation, physicochemical variation, residue mobility, and thermodynamic stability) performed at Invitae indicates that this missense variant is not expected to disrupt SATB2 protein function. This variant has not been reported in the literature in individuals affected with SATB2-related conditions. This variant is present in population databases (no rsID available, gnomAD 0.007%). This sequence change replaces proline, which is neutral and non-polar, with serine, which is neutral and polar, at codon 548 of the SATB2 protein (p.Pro548Ser).

NM_001172509.2(SATB2):c.1642C>T (p.Pro548Ser)

Gene: SATB2 (SATB homeobox 2; minus strand). Cytogenetic location: 2q33.1.
Variant type: single nucleotide variant.
Coding change: c.1642C>T on transcript NM_001172509.2 (MANE Select); coding-DNA position 1642, C replaced by T.
Protein change: p.Pro548Ser; replaces proline 548 with serine.
Molecular consequence: missense variant.
Genome position (GRCh38, 1-based): chr2:199,308,858, G>A on the plus strand (C>T on the coding strand, the complement: SATB2 is on the minus strand). VCF-style: chr2-199308858-G-A. GRCh37 (hg19) VCF-style: chr2-200173581-G-A.
Other names: c.1642C>T, p.Pro548Ser (NM_001172517.1, NM_015265.4); c.1642C>T (NM_015265.3); short protein forms P548S.
Identifiers: ClinVar variation 3011206 (VCV003011206.4), dbSNP rs1411889903, ClinGen allele CA350384466.
Genomic context (GRCh38, chr2:199,308,858, plus strand): 5'-TGCGTTCGCTGTGGTGATGCCTTGACTCCTCCTCATAGATGACATCCCTCTCATGCTGGG[G>A]AAGGTTCAGGAAGCGACGGATGGTACAGAGGTTTTCCCAGAGGGTGCGGTTTTCTGGGCT-3'
Protein context (NP_001165980.1, residues 538-558): LCTIRRFLNL[Pro548Ser]QHERDVIYEE